The following is an entry in ClinVar:

ClinVar aggregate classification (germline): Uncertain significance (1 of 4 stars; one submission).

Conditions:
Cardiovascular phenotype. Identifiers: MedGen CN230736.

Submission:

Ambry Genetics
Classification: Uncertain significance for Cardiovascular phenotype. Last evaluated: 2023-11-01. Review status: criteria provided, single submitter. Criteria: Ambry Variant Classification Scheme 2023. Collection method: clinical testing. Allele origin: germline.
Comment: The p.T738A variant (also known as c.2212A>G), located in coding exon 17 of the LAMA4 gene, results from an A to G substitution at nucleotide position 2212. The threonine at codon 738 is replaced by alanine, an amino acid with similar properties. This amino acid position is conserved. In addition, this alteration is predicted to be tolerated by in silico analysis. Since supporting evidence is limited at this time, the clinical significance of this alteration remains unclear.

NM_001105206.3(LAMA4):c.2233A>G (p.Thr745Ala)

Gene: LAMA4 (laminin subunit alpha 4; minus strand). Cytogenetic location: 6q21.
Variant type: single nucleotide variant.
Coding change: c.2233A>G on transcript NM_001105206.3 (MANE Select); coding-DNA position 2233, A replaced by G.
Protein change: p.Thr745Ala; replaces threonine 745 with alanine.
Molecular consequence: missense variant.
Genome position (GRCh38, 1-based): chr6:112,148,277, T>C on the plus strand (A>G on the coding strand, the complement: LAMA4 is on the minus strand). VCF-style: chr6-112148277-T-C. GRCh37 (hg19) VCF-style: chr6-112469479-T-C.
Other names: c.2212A>G, p.Thr738Ala (NM_001105207.3, NM_002290.5); short protein forms T738A, T745A.
Identifiers: ClinVar variation 3222030 (VCV003222030.1), dbSNP rs2547044715, ClinGen allele CA365383665.
Genomic context (GRCh38, chr6:112,148,277, plus strand): 5'-TCTGTGACCAGTTGGTTAGATTGTTGGCCATGGGGGCAGTGGCCTGCTGCACCTCCATCG[T>C]CGTCCTGTTGGCTTCCTCGGTGATCAGTCTAGACTGCCCCAGGCGCTGCTGGGCATCCCC-3'
Protein context (NP_001098676.2, residues 735-755): RLITEEANRT[Thr745Ala]MEVQQATAPM